The following is an entry in ClinVar:

ClinVar aggregate classification (germline): Likely benign. Review status: criteria provided, multiple submitters, no conflicts (2 of 4 stars). 3 submissions from 3 submitters: Likely benign (3). Last evaluated 2025-03-06.

Conditions:
LRRK2-related disorder. Also called: LRRK2-related condition.
Autosomal dominant Parkinson disease 8. Also called: LRRK2-Related Parkinson Disease; Parkinson disease 8; Parkinson disease 8, susceptibility to. Identifiers: Orphanet 411602, MedGen C1846862, MONDO:0011764, OMIM 607060.
Inborn genetic diseases. Identifiers: MedGen C0950123, MeSH D030342.

Allele frequency attached by ClinVar (database versions not stated): gnomAD 0.00003; gnomAD exomes 0.00005; TOPMed 0.00005; ESP Exome Variant Server 0.00023.
gnomAD v4.1: 79 of 1,613,462 alleles (0.0049%); highest among the groups gnomAD compares: Non-Finnish European, 0.0059%; no homozygotes.

Submissions (3):

PreventionGenetics, part of Exact Sciences
Classification: Likely benign for LRRK2-related condition. Last evaluated: 2025-03-06. Review status: criteria provided, single submitter. Criteria: ACMG Guidelines, 2015. Collection method: clinical testing. Allele origin: germline.
Comment: This variant is classified as likely benign based on ACMG/AMP sequence variant interpretation guidelines (Richards et al. 2015 PMID: 25741868, with internal and published modifications).

Labcorp Genetics (formerly Invitae), Labcorp
Classification: Likely benign for Autosomal dominant Parkinson disease 8. Last evaluated: 2022-04-18. Review status: criteria provided, single submitter. Criteria: Invitae Variant Classification Sherloc (09022015). Collection method: clinical testing. Allele origin: germline.

Ambry Genetics
Classification: Likely benign for Inborn genetic diseases. Last evaluated: 2022-03-04. Review status: criteria provided, single submitter. Criteria: Ambry Variant Classification Scheme 2023. Collection method: clinical testing. Allele origin: germline.

NM_198578.4(LRRK2):c.5691C>G (p.Ala1897=)

Gene: LRRK2 (leucine rich repeat kinase 2; plus strand). Cytogenetic location: 12q12.
Variant type: single nucleotide variant.
Coding change: c.5691C>G on transcript NM_198578.4 (MANE Select); coding-DNA position 5691, C replaced by G.
Protein change: p.Ala1897=; no amino-acid change (alanine 1897 retained).
Molecular consequence: synonymous variant.
Genome position (GRCh38, 1-based): chr12:40,328,394, C>G. VCF-style: chr12-40328394-C-G. GRCh37 (hg19) VCF-style: chr12-40722196-C-G.
Identifiers: ClinVar variation 1749084 (VCV001749084.8), dbSNP rs200436043, ClinGen allele CA6514517.
Genomic context (GRCh38, chr12:40,328,394, plus strand): 5'-AGTGCTTTGTATTTTCTTTTCAAAAGGTGATGGCAGTTTTGGATCAGTTTACCGAGCAGC[C>G]TATGAAGGAGAAGAAGTGGCTGTGAAGATTTTTAATAAACATACATCACTCAGGCTGTTA-3'
Protein context (NP_940980.4, residues 1887-1907): DGSFGSVYRA[Ala1897=]YEGEEVAVKI